The following is an entry in ClinVar:

NM_002907.4(RECQL):c.425C>G (p.Ser142Cys)

Gene: RECQL (RecQ like helicase; minus strand). Cytogenetic location: 12p12.1.
Variant type: single nucleotide variant.
Coding change: c.425C>G on transcript NM_002907.4 (MANE Select); coding-DNA position 425, C replaced by G.
Protein change: p.Ser142Cys; replaces serine 142 with cysteine.
Molecular consequence: missense variant.
Genome position (GRCh38, 1-based): chr12:21,486,555, G>C on the plus strand (C>G on the coding strand, the complement: RECQL is on the minus strand). VCF-style: chr12-21486555-G-C. GRCh37 (hg19) VCF-style: chr12-21639489-G-C.
Other names: c.425C>G, p.Ser142Cys (NM_032941.3); short protein forms S142C.
Identifiers: ClinVar variation 1739153 (VCV001739153.7), dbSNP rs2540387274, ClinGen allele CA384130264.

ClinVar aggregate classification (germline): Uncertain significance. Review status: criteria provided, multiple submitters, no conflicts (2 of 4 stars). 2 submissions from 2 submitters: Uncertain significance (2). Last evaluated 2022-02-02.

gnomAD v4.1: 1 of 1,555,254 alleles (0.000064%); no homozygotes.

Submissions (2):

Labcorp Genetics (formerly Invitae), Labcorp
Classification: Uncertain significance. Last evaluated: 2022-02-02. Review status: criteria provided, single submitter. Criteria: Invitae Variant Classification Sherloc (09022015). Collection method: clinical testing. Allele origin: germline.
Comment: This variant has not been reported in the literature in individuals affected with RECQL-related conditions. This variant is not present in population databases (gnomAD no frequency). Algorithms developed to predict the effect of missense changes on protein structure and function (SIFT, PolyPhen-2, Align-GVGD) all suggest that this variant is likely to be disruptive. In summary, the available evidence is currently insufficient to determine the role of this variant in disease. Therefore, it has been classified as a Variant of Uncertain Significance. This sequence change replaces serine, which is neutral and polar, with cysteine, which is neutral and slightly polar, at codon 142 of the RECQL protein (p.Ser142Cys).

Ambry Genetics
Classification: Uncertain significance. Last evaluated: 2021-04-27. Review status: criteria provided, single submitter. Criteria: Ambry Variant Classification Scheme 2023. Collection method: clinical testing. Allele origin: germline.
Comment: The p.S142C variant (also known as c.425C>G), located in coding exon 4 of the RECQL gene, results from a C to G substitution at nucleotide position 425. The serine at codon 142 is replaced by cysteine, an amino acid with dissimilar properties. This amino acid position is highly conserved in available vertebrate species. In addition, the in silico prediction for this alteration is inconclusive. Since supporting evidence is limited at this time, the clinical significance of this alteration remains unclear.